The following is an entry in ClinVar:

ClinVar aggregate classification (germline): Uncertain significance (1 of 4 stars; one submission).

Conditions:
Intellectual developmental disorder, X-linked, syndromic, Turner type. Also called: X-linked intellectual disability, Turner type; Intellectual disability, X-linked syndromic, Turner type. Identifiers: Orphanet 3056, Orphanet 85328, MedGen C2678046, MONDO:0010407, OMIM 309590.

Submission:

Victorian Clinical Genetics Services, Murdoch Childrens Research Institute
Classification: Uncertain significance for Intellectual developmental disorder, X-linked, syndromic, Turner type. Last evaluated: 2022-02-02. Review status: criteria provided, single submitter. Criteria: ACMG Guidelines, 2015. Collection method: clinical testing. Allele origin: germline. Inheritance: X-linked inheritance. Affected: yes.
Comment: Based on the classification scheme VCGS_Germline_v1.3.4, this variant is classified as VUS-3C. Following criteria are met: 0103 - Loss of function and gain of function are known mechanisms of disease in this gene and are associated with intellectual disability (MIM#309590) (PMID: 27130160). (I) 0110 - This gene is associated with X-linked disease. Due to skewed X-inactivation heterozygous females can be variably affected ranging from asymptomatic to fully manifesting the condition (PMID: 29180823). (I) 0200 - Variant is predicted to result in a missense amino acid change from glycine to aspartic acid. (I) 0253 - This variant is hemizygous. (I) 0301 - Variant is absent from gnomAD (both v2 and v3). (SP) 0503 - Missense variant consistently predicted to be tolerated by multiple in silico tools or not conserved in placental mammals with a minor amino acid change. (SB) 0604 - Variant is not located in an established domain, motif, hotspot or informative constraint region. (I) 0705 - No comparable missense variants have previous evidence for pathogenicity. (I) 0807 - This variant has no previous evidence of pathogenicity. (I) 0905 - No published segregation evidence has been identified for this variant. (I) 1007 - No published functional evidence has been identified for this variant. (I) Legend: (SP) - Supporting pathogenic, (I) - Information, (SB) - Supporting benign

Literature cited by the submitters: PubMed 27130160; PubMed 29180823.

NM_031407.7(HUWE1):c.7598G>A (p.Gly2533Asp)

Gene: HUWE1 (HECT, UBA and WWE domain containing E3 ubiquitin protein ligase 1; minus strand). Cytogenetic location: Xp11.22.
Variant type: single nucleotide variant.
Coding change: c.7598G>A on transcript NM_031407.7 (MANE Select); coding-DNA position 7598, G replaced by A.
Protein change: p.Gly2533Asp; replaces glycine 2533 with aspartic acid.
Molecular consequence: missense variant.
Genome position (GRCh38, 1-based): chrX:53,560,326, C>T on the plus strand (G>A on the coding strand, the complement: HUWE1 is on the minus strand). VCF-style: chrX-53560326-C-T. GRCh37 (hg19) VCF-style: chrX-53587287-C-T.
Other names: short protein forms G2533D.
Identifiers: ClinVar variation 1805084 (VCV001805084.2), dbSNP rs2147610673, ClinGen allele CA413155459.